The following is an entry in ClinVar:

NM_001032283.3(TMPO):c.565+1423G>A

Gene: TMPO (thymopoietin; plus strand). Cytogenetic location: 12q23.1.
Variant type: single nucleotide variant.
Coding change: c.565+1423G>A on transcript NM_001032283.3 (MANE Select); 1423 bases into the intron after coding-DNA position 565, G replaced by A.
Molecular consequence: intron variant. On other transcripts: missense variant (1).
Genome position (GRCh38, 1-based): chr12:98,533,261, G>A. VCF-style: chr12-98533261-G-A. GRCh37 (hg19) VCF-style: chr12-98927039-G-A.
Other names: c.1004G>A, p.Ser335Asn (NM_003276.2); c.565+1423G>A (NM_001307975.2, NM_001032284.3); short protein forms S335N.
Identifiers: ClinVar variation 3808576 (VCV003808576.1).

ClinVar aggregate classification (germline): Uncertain significance (1 of 4 stars; one submission).

gnomAD v4.1: 2 of 1,613,906 alleles (0.00012%); highest among the groups gnomAD compares: Non-Finnish European, 0.00017%; no homozygotes.

Submission:

Ambry Genetics
Classification: Uncertain significance. Last evaluated: 2025-01-31. Review status: criteria provided, single submitter. Criteria: Ambry Variant Classification Scheme 2023. Collection method: clinical testing. Allele origin: germline.
Comment: The p.S335N variant (also known as c.1004G>A), located in coding exon 4 of the TMPO gene, results from a G to A substitution at nucleotide position 1004. The serine at codon 335 is replaced by asparagine, an amino acid with highly similar properties. This amino acid position is conserved. In addition, this alteration is predicted to be tolerated by in silico analysis. Based on the available evidence, the clinical significance of this variant remains unclear.